The following is an entry in ClinVar:

NM_003242.6(TGFBR2):c.551T>A (p.Ile184Asn)

Gene: TGFBR2 (transforming growth factor beta receptor 2; plus strand). Cytogenetic location: 3p24.1.
Variant type: single nucleotide variant.
Coding change: c.551T>A on transcript NM_003242.6 (MANE Select); coding-DNA position 551, T replaced by A.
Protein change: p.Ile184Asn; replaces isoleucine 184 with asparagine.
Molecular consequence: missense variant.
Genome position (GRCh38, 1-based): chr3:30,671,734, T>A. VCF-style: chr3-30671734-T-A. GRCh37 (hg19) VCF-style: chr3-30713226-T-A.
Other names: p.I184N:ATC>AAC; c.626T>A, p.Ile209Asn (NM_001024847.3); c.734T>A, p.Ile245Asn (NM_001407126.1); c.659T>A, p.Ile220Asn (NM_001407127.1); c.578T>A, p.Ile193Asn (NM_001407128.1); c.554T>A, p.Ile185Asn (NM_001407129.1); c.551T>A, p.Ile184Asn (NM_001407130.1); c.446T>A, p.Ile149Asn (NM_001407132.1, NM_001407133.1, NM_001407134.1 and 2 more transcripts); and 2 more; short protein forms I184N, I209N, I185N, I193N, I220N, I245N, I149N, I64N.
Identifiers: ClinVar variation 213916 (VCV000213916.3), dbSNP rs863223839, ClinGen allele CA321188.

ClinVar aggregate classification (germline): Uncertain significance (1 of 4 stars; one submission).

Submission:

GeneDx
Classification: Uncertain significance. Last evaluated: 2014-12-04. Review status: criteria provided, single submitter. Criteria: GeneDx Variant Classification (06012015). Collection method: clinical testing. Allele origin: germline. Affected: yes.
Comment: p.Ile184Asn (ATC>AAC): c.551 T>A in exon 4 of the TGFBR2 gene (NM_003242.5)Mutations in the TGFBR2 gene have been reported association with Loeys Dietz syndrome and also have been reported in approximately 4% of patients with familial TAAD (Milewicz D et al., 2012).A variant of unknown significance has been identified in the TGFBR2 gene. The I184N variant has not been published as a mutation, nor has it been reported as a benign polymorphism to our knowledge. The I184N variant was not observed in approximately 6,500 individuals of European and African American ancestry in the NHLBI Exome Sequencing Project, indicating it is not a common benign variant in these populations. The I184N variant is a non-conservative amino acid substitution, which is likely to impact secondary protein structure as these residues differ in polarity, charge, size and/or other properties. A missense mutation in a nearby residue (R190H) has been reported in association with Marfan syndrome type 2. However, in silico analysis is inconsistent in its predictions as to whether or not the variant is damaging to the protein structure/function. Furthermore, this substitution occurs at a position that is not conserved across species.Therefore, based on the currently available information, it is unclear whether this variant is a pathogenic mutation or a rare benign variant. This variant was found in TAADV2-1